The following is an entry in ClinVar:

NM_001243279.3(ACSF3):c.756C>T (p.Asn252=)

Gene: ACSF3 (acyl-CoA synthetase family member 3; plus strand). Cytogenetic location: 16q24.3.
Variant type: single nucleotide variant.
Coding change: c.756C>T on transcript NM_001243279.3 (MANE Select); coding-DNA position 756, C replaced by T.
Protein change: p.Asn252=; no amino-acid change (asparagine 252 retained).
Molecular consequence: synonymous variant. On other transcripts: 5 prime UTR variant (1), non-coding transcript variant (3).
Genome position (GRCh38, 1-based): chr16:89,102,693, C>T. VCF-style: chr16-89102693-C-T. GRCh37 (hg19) VCF-style: chr16-89169101-C-T.
Other names: c.756C>T, p.Asn252= (NM_001127214.4, NM_174917.5); c.-40C>T (NM_001284316.2).
Identifiers: ClinVar variation 388888 (VCV000388888.36), dbSNP rs147718091, ClinGen allele CA8237782.

ClinVar aggregate classification (germline): Likely benign. Review status: criteria provided, multiple submitters, no conflicts (2 of 4 stars). 4 submissions from 4 submitters: Likely benign (4). Last evaluated 2026-01-22.

Conditions:
Combined malonic and methylmalonic acidemia. Identifiers: Orphanet 289504, MedGen C3280314, MONDO:0013661, OMIM 614265.

Allele frequency attached by ClinVar (database versions not stated): ESP Exome Variant Server 0.00046; 1000 Genomes Project 30x 0.00016; 1000 Genomes Project 0.00020; TOPMed 0.00026; gnomAD 0.00029; gnomAD exomes 0.00035; ExAC 0.00043.
gnomAD v4.1: 478 of 1,613,678 alleles (0.03%); highest among the groups gnomAD compares: Non-Finnish European, 0.036%; 4 homozygotes.

Submissions (4):

Labcorp Genetics (formerly Invitae), Labcorp
Classification: Likely benign for Combined malonic and methylmalonic acidemia. Last evaluated: 2026-01-22. Review status: criteria provided, single submitter. Criteria: Invitae Variant Classification Sherloc (09022015). Collection method: clinical testing. Allele origin: germline.

Blueprint Genetics
Classification: Likely benign. Last evaluated: 2024-11-19. Review status: criteria provided, single submitter. Criteria: ACMG Guidelines, 2015. Collection method: clinical testing. Allele origin: germline.

CeGaT Center for Human Genetics Tuebingen
Classification: Likely benign. Last evaluated: 2023-02-01. Review status: criteria provided, single submitter. Criteria: CeGaT Center For Human Genetics Tuebingen Variant Classification Criteria Version 2. Collection method: clinical testing. Allele origin: germline. Affected: yes. Observed: 1 variant allele.
Comment: ACSF3: BP4, BP7

GeneDx
Classification: Likely benign. Last evaluated: 2016-08-26. Review status: criteria provided, single submitter. Criteria: GeneDx Variant Classification (06012015). Collection method: clinical testing. Allele origin: germline. Affected: yes.
Comment: This variant is considered likely benign or benign based on one or more of the following criteria: it is a conservative change, it occurs at a poorly conserved position in the protein, it is predicted to be benign by multiple in silico algorithms, and/or has population frequency not consistent with disease.